The following is an entry in ClinVar:

ClinVar aggregate classification (germline): Uncertain significance (1 of 4 stars; one submission).

gnomAD v4.1: 8 of 1,605,786 alleles (0.0005%); highest among the groups gnomAD compares: Admixed American, 0.0017%; no homozygotes.

Submission:

GeneDx
Classification: Uncertain significance. Last evaluated: 2024-05-06. Review status: criteria provided, single submitter. Criteria: GeneDx Variant Classification Process June 2021. Collection method: clinical testing. Allele origin: germline. Affected: yes.
Comment: In silico analysis supports that this missense variant has a deleterious effect on protein structure/function; Has not been previously published as pathogenic or benign to our knowledge

NM_001145809.2(MYH14):c.3584C>T (p.Ala1195Val)

Gene: MYH14 (myosin heavy chain 14; plus strand). Cytogenetic location: 19q13.33.
Variant type: single nucleotide variant.
Coding change: c.3584C>T on transcript NM_001145809.2 (MANE Select); coding-DNA position 3584, C replaced by T.
Protein change: p.Ala1195Val; replaces alanine 1195 with valine.
Molecular consequence: missense variant.
Genome position (GRCh38, 1-based): chr19:50,276,107, C>T. VCF-style: chr19-50276107-C-T. GRCh37 (hg19) VCF-style: chr19-50779364-C-T.
Other names: c.3485C>T, p.Ala1162Val (NM_001077186.2); c.3461C>T, p.Ala1154Val (NM_024729.4); short protein forms A1154V, A1162V, A1195V.
Identifiers: ClinVar variation 3375931 (VCV003375931.1).
Genomic context (GRCh38, chr19:50,276,107, plus strand): 5'-AAGCAGCCCTGGCCGAGGCCCAGGAGGACCTGGAGTCTGAGCGTGTGGCCAGGACCAAGG[C>T]GGAGAAGCAGCGCCGGGACCTGGGCGAGGAGCTGGAGGCGCTGCGGGGCGAGCTGGAGGA-3'
Protein context (NP_001139281.1, residues 1185-1205): LESERVARTK[Ala1195Val]EKQRRDLGEE